The following is an entry in ClinVar:

ClinVar aggregate classification (germline): Uncertain significance. Review status: criteria provided, multiple submitters, no conflicts (2 of 4 stars). 2 submissions from 2 submitters: Uncertain significance (2). Last evaluated 2025-10-11.

Conditions:
Cardiovascular phenotype. Identifiers: MedGen CN230736.
Arrhythmogenic right ventricular dysplasia 8 (ARVD8). Also called: ARRHYTHMOGENIC RIGHT VENTRICULAR DYSPLASIA, FAMILIAL, 8; ARRHYTHMOGENIC RIGHT VENTRICULAR CARDIOMYOPATHY 8; Arrhythmogenic Right Ventricular Dysplasia/Cardiomyopathy 8. Identifiers: MedGen C1843896, MONDO:0011831, OMIM 607450.
Arrhythmogenic cardiomyopathy with wooly hair and keratoderma. Also called: PALMOPLANTAR KERATODERMA WITH LEFT VENTRICULAR CARDIOMYOPATHY AND WOOLLY HAIR; Carvajal syndrome; Arrhythmogenic cardiomyopathy with woolly hair and keratoderma; Dilated cardiomyopathy with woolly hair and keratoderma. Identifiers: Orphanet 65282, MedGen C1854063, MONDO:0011581, OMIM 605676.

Submissions (2):

Ambry Genetics
Classification: Uncertain significance for Cardiovascular phenotype. Last evaluated: 2025-10-11. Review status: criteria provided, single submitter. Criteria: Ambry Variant Classification Scheme 2023. Collection method: clinical testing. Allele origin: germline.
Comment: The p.R2826S variant (also known as c.8476C>A), located in coding exon 24 of the DSP gene, results from a C to A substitution at nucleotide position 8476. The arginine at codon 2826 is replaced by serine, an amino acid with dissimilar properties. This amino acid position is conserved. In addition, this alteration is predicted to be tolerated by in silico analysis. Based on the available evidence, the clinical significance of this variant remains unclear.

Labcorp Genetics (formerly Invitae), Labcorp
Classification: Uncertain significance for Arrhythmogenic cardiomyopathy with wooly hair and keratoderma; Arrhythmogenic right ventricular dysplasia 8. Last evaluated: 2021-01-11. Review status: criteria provided, single submitter. Criteria: Invitae Variant Classification Sherloc (09022015). Collection method: clinical testing. Allele origin: germline.
Comment: In summary, the available evidence is currently insufficient to determine the role of this variant in disease. Therefore, it has been classified as a Variant of Uncertain Significance. Algorithms developed to predict the effect of sequence changes on RNA splicing suggest that this variant may create or strengthen a splice site, but this prediction has not been confirmed by published transcriptional studies. Algorithms developed to predict the effect of missense changes on protein structure and function are either unavailable or do not agree on the potential impact of this missense change (SIFT: "Deleterious"; PolyPhen-2: "Probably Damaging"; Align-GVGD: "Class C0"). This variant has not been reported in the literature in individuals with DSP-related conditions. This variant is not present in population databases (ExAC no frequency). This sequence change replaces arginine with serine at codon 2826 of the DSP protein (p.Arg2826Ser). The arginine residue is moderately conserved and there is a moderate physicochemical difference between arginine and serine.

NM_004415.4(DSP):c.8476C>A (p.Arg2826Ser)

Gene: DSP (desmoplakin; plus strand). Cytogenetic location: 6p24.3.
Variant type: single nucleotide variant.
Coding change: c.8476C>A on transcript NM_004415.4 (MANE Select); coding-DNA position 8476, C replaced by A.
Protein change: p.Arg2826Ser; replaces arginine 2826 with serine.
Molecular consequence: missense variant.
Genome position (GRCh38, 1-based): chr6:7,585,738, C>A. VCF-style: chr6-7585738-C-A. GRCh37 (hg19) VCF-style: chr6-7585971-C-A.
Other names: c.6679C>A, p.Arg2227Ser (NM_001008844.3); c.7147C>A, p.Arg2383Ser (NM_001319034.2); c.8476C>A (NM_004415.2); short protein forms R2826S, R2227S, R2383S.
Identifiers: ClinVar variation 1494560 (VCV001494560.9), dbSNP rs139969658, ClinGen allele CA362695226.